The following is an entry in ClinVar:

NM_007255.3(B4GALT7):c.422G>A (p.Arg141Gln)

Gene: B4GALT7 (beta-1,4-galactosyltransferase 7; plus strand). Cytogenetic location: 5q35.3.
Variant type: single nucleotide variant.
Coding change: c.422G>A on transcript NM_007255.3 (MANE Select); coding-DNA position 422, G replaced by A.
Protein change: p.Arg141Gln; replaces arginine 141 with glutamine.
Molecular consequence: missense variant.
Genome position (GRCh38, 1-based): chr5:177,607,310, G>A. VCF-style: chr5-177607310-G-A. GRCh37 (hg19) VCF-style: chr5-177034311-G-A.
Other names: short protein forms R141Q.
Identifiers: ClinVar variation 3713348 (VCV003713348.2).

ClinVar aggregate classification (germline): Uncertain significance (1 of 4 stars; one submission).

Conditions:
Spondylodysplastic Ehlers-Danlos syndrome. Identifiers: Orphanet 536471, Orphanet 75496, MedGen C5680154, MONDO:0007526.

Submission:

Labcorp Genetics (formerly Invitae), Labcorp
Classification: Uncertain significance for Spondylodysplastic Ehlers-Danlos syndrome. Last evaluated: 2024-03-01. Review status: criteria provided, single submitter. Criteria: Invitae Variant Classification Sherloc (09022015). Collection method: clinical testing. Allele origin: germline.
Comment: This sequence change replaces arginine, which is basic and polar, with glutamine, which is neutral and polar, at codon 141 of the B4GALT7 protein (p.Arg141Gln). This variant is not present in population databases (gnomAD no frequency). This variant has not been reported in the literature in individuals affected with B4GALT7-related conditions. Advanced modeling of protein sequence and biophysical properties (such as structural, functional, and spatial information, amino acid conservation, physicochemical variation, residue mobility, and thermodynamic stability) performed at Invitae indicates that this missense variant is expected to disrupt B4GALT7 protein function with a positive predictive value of 80%. This variant disrupts the p.Arg141 amino acid residue in B4GALT7. Other variant(s) that disrupt this residue have been determined to be pathogenic (PMID: 25533962, 26940150, 30914273). This suggests that this residue is clinically significant, and that variants that disrupt this residue are likely to be disease-causing. In summary, the available evidence is currently insufficient to determine the role of this variant in disease. Therefore, it has been classified as a Variant of Uncertain Significance.

Literature cited by the submitters: PubMed 25533962; PubMed 26940150; PubMed 30914273.